The following is an entry in ClinVar:

NM_018122.5(DARS2):c.493-3T>C

Gene: DARS2 (aspartyl-tRNA synthetase 2, mitochondrial; plus strand). Cytogenetic location: 1q25.1.
Variant type: single nucleotide variant.
Coding change: c.493-3T>C on transcript NM_018122.5 (MANE Select); 3 bases into the intron before coding-DNA position 493, T replaced by C.
Molecular consequence: intron variant.
Genome position (GRCh38, 1-based): chr1:173,833,373, T>C. VCF-style: chr1-173833373-T-C. GRCh37 (hg19) VCF-style: chr1-173802511-T-C.
Other names: p.?; c.493-3T>C (NM_001365212.1, NM_001365213.2).
Identifiers: ClinVar variation 137072 (VCV000137072.44), dbSNP rs140326200, ClinGen allele CA290570.

ClinVar aggregate classification (germline): Benign. Review status: criteria provided, multiple submitters, no conflicts (2 of 4 stars). 6 submissions from 6 submitters: Benign (6). Last evaluated 2026-08-01.

Conditions:
Leukoencephalopathy with brain stem and spinal cord involvement-high lactate syndrome (LBSL). Also called: MITOCHONDRIAL ASPARTYL-tRNA SYNTHETASE DEFICIENCY; LEUKOENCEPHALOPATHY WITH BRAINSTEM AND SPINAL CORD INVOLVEMENT AND LACTATE ELEVATION, MILD; Leukoencephalopathy with Brainstem and Spinal Cord Involvement and Lactate Elevation. Identifiers: Orphanet 137898, MedGen C1970180, MONDO:0012622, OMIM 611105.

Allele frequency attached by ClinVar (database versions not stated): gnomAD exomes 0.00058 and 0.00176; ExAC 0.00532; 1000 Genomes Project 0.00639; gnomAD 0.00654 and 0.00699; ESP Exome Variant Server 0.00685; 1000 Genomes Project 30x 0.00687; TOPMed 0.00737.
gnomAD v4.1: 1,832 of 1,586,692 alleles (0.12%); highest among the groups gnomAD compares: African/African-American, 2.2%; 12 homozygotes.

Submissions (6):

CeGaT Center for Human Genetics Tuebingen
Classification: Benign. Last evaluated: 2026-08-01. Review status: criteria provided, single submitter. Criteria: CeGaT Center For Human Genetics Tuebingen Variant Classification Criteria Version 2. Collection method: clinical testing. Allele origin: germline. Affected: yes. Observed: 5 variant alleles.
Comment: DARS2: BP4, BS1, BS2

Labcorp Genetics (formerly Invitae), Labcorp
Classification: Benign. Last evaluated: 2026-01-25. Review status: criteria provided, single submitter. Criteria: Invitae Variant Classification Sherloc (09022015). Collection method: clinical testing. Allele origin: germline.

Genome-Nilou Lab
Classification: Benign for Leukoencephalopathy with brain stem and spinal cord involvement-high lactate syndrome. Last evaluated: 2023-04-11. Review status: criteria provided, single submitter. Criteria: ACMG Guidelines, 2015. Collection method: clinical testing. Allele origin: germline. Affected: no.

Mayo Clinic Laboratories, Mayo Clinic
Classification: Benign. Last evaluated: 2020-02-04. Review status: criteria provided, single submitter. Criteria: ACMG Guidelines, 2015. Collection method: clinical testing. Allele origin: germline. Observed: 8 variant alleles.

Illumina Laboratory Services, Illumina
Classification: Benign for Leukoencephalopathy with brain stem and spinal cord involvement-high lactate syndrome. Last evaluated: 2018-01-13. Review status: criteria provided, single submitter. Criteria: ICSL Variant Classification Criteria 13 December 2019. Collection method: clinical testing. Allele origin: germline.
Comment: This variant was observed in the ICSL laboratory as part of a predisposition screen in an ostensibly healthy population. It had not been previously curated by ICSL or reported in the Human Gene Mutation Database (HGMD: prior to June 1st, 2018), and was therefore a candidate for classification through an automated scoring system. Utilizing variant allele frequency, disease prevalence and penetrance estimates, and inheritance mode, an automated score was calculated to assess if this variant is too frequent to cause the disease. Based on the score and internal cut-off values, a variant classified as benign is not then subjected to further curation. The score for this variant resulted in a classification of benign for this disease.

GeneDx
Classification: Benign. Last evaluated: 2014-05-28. Review status: criteria provided, single submitter. Criteria: GeneDx Variant Classification (06012015). Collection method: clinical testing. Allele origin: germline. Affected: yes.
Comment: This variant is considered likely benign or benign based on one or more of the following criteria: it is a conservative change, it occurs at a poorly conserved position in the protein, it is predicted to be benign by multiple in silico algorithms, and/or has population frequency not consistent with disease.